The following is an entry in ClinVar:

NM_031418.4(ANO3):c.340G>C (p.Asp114His)

Gene: ANO3 (anoctamin 3; plus strand). Cytogenetic location: 11p14.2.
Variant type: single nucleotide variant.
Coding change: c.340G>C on transcript NM_031418.4 (MANE Select); coding-DNA position 340, G replaced by C.
Protein change: p.Asp114His; replaces aspartic acid 114 with histidine.
Molecular consequence: missense variant.
Genome position (GRCh38, 1-based): chr11:26,463,056, G>C. VCF-style: chr11-26463056-G-C. GRCh37 (hg19) VCF-style: chr11-26484603-G-C.
Other names: c.523G>C, p.Asp175His (NM_001313726.2); short protein forms D114H, D175H.
Identifiers: ClinVar variation 2574396 (VCV002574396.1), dbSNP rs868398613, ClinGen allele CA380066669.

ClinVar aggregate classification (germline): Uncertain significance (1 of 4 stars; one submission).

Allele frequency attached by ClinVar (database versions not stated): gnomAD exomes below 0.00001.
gnomAD v4.1: 1 of 1,589,438 alleles (0.000063%); highest among the groups gnomAD compares: Non-Finnish European, 0.000086%; no homozygotes.

Submission:

GeneDx
Classification: Uncertain significance. Last evaluated: 2023-01-25. Review status: criteria provided, single submitter. Criteria: GeneDx Variant Classification Process June 2021. Collection method: clinical testing. Allele origin: germline. Affected: yes.
Comment: Not observed at significant frequency in large population cohorts (gnomAD); In silico analysis supports that this missense variant does not alter protein structure/function; Has not been previously published as pathogenic or benign to our knowledge